The following is an entry in ClinVar:

NM_030662.4(MAP2K2):c.402C>T (p.Tyr134=)

Gene: MAP2K2 (mitogen-activated protein kinase kinase 2; minus strand). Cytogenetic location: 19p13.3.
Variant type: single nucleotide variant.
Coding change: c.402C>T on transcript NM_030662.4 (MANE Select); coding-DNA position 402, C replaced by T.
Protein change: p.Tyr134=; no amino-acid change (tyrosine 134 retained).
Molecular consequence: synonymous variant.
Genome position (GRCh38, 1-based): chr19:4,110,557, G>A on the plus strand (C>T on the coding strand, the complement: MAP2K2 is on the minus strand). VCF-style: chr19-4110557-G-A. GRCh37 (hg19) VCF-style: chr19-4110555-G-A.
Identifiers: ClinVar variation 544004 (VCV000544004.13), dbSNP rs753713281, ClinGen allele CA9091007.

ClinVar aggregate classification (germline): Likely benign. Review status: criteria provided, multiple submitters, no conflicts (2 of 4 stars). 4 submissions from 4 submitters: Likely benign (3). 1 of the submissions does not count toward it. Last evaluated 2025-10-09.

Conditions:
MAP2K2-related disorder. Also called: MAP2K2-related condition.
Cardiovascular phenotype. Identifiers: MedGen CN230736.
RASopathy. Also called: rasopathies; Noonan spectrum disorder. Identifiers: Orphanet 536391, MedGen C5555857, MONDO:0021060.

Allele frequency attached by ClinVar (database versions not stated): ExAC 0.00001; gnomAD exomes 0.00001 and 0.00002; TOPMed 0.00001.
gnomAD v4.1: 9 of 1,613,966 alleles (0.00056%); highest among the groups gnomAD compares: Admixed American, 0.005%; no homozygotes.

Submissions (4):

Labcorp Genetics (formerly Invitae), Labcorp
Classification: Likely benign for RASopathy. Last evaluated: 2025-10-09. Review status: criteria provided, single submitter. Criteria: Invitae Variant Classification Sherloc (09022015). Collection method: clinical testing. Allele origin: germline.

Blueprint Genetics
Classification: Likely benign. Last evaluated: 2023-08-22. Review status: criteria provided, single submitter. Criteria: ACMG Guidelines, 2015. Collection method: clinical testing. Allele origin: germline.

Ambry Genetics
Classification: Likely benign for Cardiovascular phenotype. Last evaluated: 2022-09-28. Review status: criteria provided, single submitter. Criteria: Ambry Variant Classification Scheme 2023. Collection method: clinical testing. Allele origin: germline.

PreventionGenetics, part of Exact Sciences
Classification: Likely benign for MAP2K2-related condition. Last evaluated: 2021-11-23. Review status: no assertion criteria provided. Collection method: clinical testing. Allele origin: germline. Not counted in ClinVar's aggregate classification.
Comment: This variant is classified as likely benign based on ACMG/AMP sequence variant interpretation guidelines (Richards et al. 2015 PMID: 25741868, with internal and published modifications).